The following is an entry in ClinVar:

NM_021870.3(FGG):c.419A>G (p.Tyr140Cys)

Gene: FGG (fibrinogen gamma chain; minus strand). Cytogenetic location: 4q32.1.
Variant type: single nucleotide variant.
Coding change: c.419A>G on transcript NM_021870.3 (MANE Select); coding-DNA position 419, A replaced by G.
Protein change: p.Tyr140Cys; replaces tyrosine 140 with cysteine.
Molecular consequence: missense variant.
Genome position (GRCh38, 1-based): chr4:154,610,180, T>C on the plus strand (A>G on the coding strand, the complement: FGG is on the minus strand). VCF-style: chr4-154610180-T-C. GRCh37 (hg19) VCF-style: chr4-155531332-T-C.
Other names: p.Tyr140Cys; c.419A>G, p.Tyr140Cys (NM_000509.6); short protein forms Y140C.
Identifiers: ClinVar variation 4541013 (VCV004541013.1).

ClinVar aggregate classification (germline): Uncertain significance (1 of 4 stars; one submission).

gnomAD v4.1: 25 of 1,583,604 alleles (0.0016%); highest among the groups gnomAD compares: Non-Finnish European, 0.0021%; no homozygotes.

Submission:

Mayo Clinic Laboratories, Mayo Clinic
Classification: Uncertain significance. Last evaluated: 2025-11-06. Review status: criteria provided, single submitter. Criteria: ACMG Guidelines, 2015. Collection method: clinical testing. Allele origin: germline. Observed: 1 variant allele.
Comment: PM2_supporting